The following is an entry in ClinVar:

ClinVar aggregate classification (germline): Uncertain significance. Review status: criteria provided, multiple submitters, no conflicts (2 of 4 stars). 3 submissions from 3 submitters: Uncertain significance (3). Last evaluated 2025-03-30.

Conditions:
Hereditary cancer-predisposing syndrome. Also called: Neoplastic Syndromes, Hereditary; Hereditary Cancer Syndrome; Tumor predisposition; Hereditary neoplastic syndrome. Identifiers: Orphanet 140162, MedGen C0027672, MeSH D009386, MONDO:0015356.
Lynch syndrome. Identifiers: Orphanet 144, MedGen C4552100, MONDO:0005835. Disease mechanism: loss of function.
Hereditary nonpolyposis colorectal neoplasms. Identifiers: MedGen C0009405, MeSH D003123.

Allele frequency attached by ClinVar (database versions not stated): TOPMed below 0.00001.

Submissions (3):

Labcorp Genetics (formerly Invitae), Labcorp
Classification: Uncertain significance for Hereditary nonpolyposis colorectal neoplasms. Last evaluated: 2025-03-30. Review status: criteria provided, single submitter. Criteria: Invitae Variant Classification Sherloc (09022015). Collection method: clinical testing. Allele origin: germline.
Comment: This sequence change replaces alanine, which is neutral and non-polar, with glycine, which is neutral and non-polar, at codon 182 of the MSH6 protein (p.Ala182Gly). This variant is not present in population databases (gnomAD no frequency). This variant has not been reported in the literature in individuals affected with MSH6-related conditions. ClinVar contains an entry for this variant (Variation ID: 584612). Invitae Evidence Modeling of protein sequence and biophysical properties (such as structural, functional, and spatial information, amino acid conservation, physicochemical variation, residue mobility, and thermodynamic stability) indicates that this missense variant is not expected to disrupt MSH6 protein function with a negative predictive value of 95%. In summary, the available evidence is currently insufficient to determine the role of this variant in disease. Therefore, it has been classified as a Variant of Uncertain Significance.

Ambry Genetics
Classification: Uncertain significance for Hereditary cancer-predisposing syndrome. Last evaluated: 2024-05-31. Review status: criteria provided, single submitter. Criteria: Ambry Variant Classification Scheme 2023. Collection method: clinical testing. Allele origin: germline.
Comment: The p.A182G variant (also known as c.545C>G), located in coding exon 3 of the MSH6 gene, results from a C to G substitution at nucleotide position 545. The alanine at codon 182 is replaced by glycine, an amino acid with similar properties. This amino acid position is highly conserved in available vertebrate species. In addition, this alteration is predicted to be tolerated by in silico analysis. Based on the available evidence, the clinical significance of this variant remains unclear.

Mendelics
Classification: Uncertain significance for Lynch syndrome. Last evaluated: 2018-07-02. Review status: criteria provided, single submitter. Criteria: Mendelics Assertion Criteria 2017. Collection method: clinical testing. Allele origin: unknown.

NM_000179.3(MSH6):c.545C>G (p.Ala182Gly)

Gene: MSH6 (mutS homolog 6; plus strand). Cytogenetic location: 2p16.3.
Variant type: single nucleotide variant.
Coding change: c.545C>G on transcript NM_000179.3 (MANE Select); coding-DNA position 545, C replaced by G.
Protein change: p.Ala182Gly; replaces alanine 182 with glycine.
Molecular consequence: missense variant. On other transcripts: 5 prime UTR variant (1), intron variant (2).
Genome position (GRCh38, 1-based): chr2:47,795,981, C>G. VCF-style: chr2-47795981-C-G. GRCh37 (hg19) VCF-style: chr2-48023120-C-G.
Other names: c.-358C>G (NM_001281494.2); c.-279-2630C>G (NM_001281493.2); c.238-2630C>G (NM_001281492.2); short protein forms A182G.
Identifiers: ClinVar variation 584612 (VCV000584612.14), dbSNP rs876659786, ClinGen allele CA346738735.